The following is an entry in ClinVar:

NM_006904.7(PRKDC):c.2112T>A (p.Phe704Leu)

Gene: PRKDC (protein kinase, DNA-activated, catalytic subunit; minus strand). Cytogenetic location: 8q11.21.
Variant type: single nucleotide variant.
Coding change: c.2112T>A on transcript NM_006904.7 (MANE Select); coding-DNA position 2112, T replaced by A.
Protein change: p.Phe704Leu; replaces phenylalanine 704 with leucine.
Molecular consequence: missense variant.
Genome position (GRCh38, 1-based): chr8:47,929,119, A>T on the plus strand (T>A on the coding strand, the complement: PRKDC is on the minus strand). VCF-style: chr8-47929119-A-T. GRCh37 (hg19) VCF-style: chr8-48841679-A-T.
Other names: c.2112T>A, p.Phe704Leu (NM_001081640.2); short protein forms F704L.
Identifiers: ClinVar variation 541990 (VCV000541990.9), dbSNP rs1000728174, ClinGen allele CA176164383.

ClinVar aggregate classification (germline): Uncertain significance. Review status: criteria provided, multiple submitters, no conflicts (2 of 4 stars). 3 submissions from 3 submitters: Uncertain significance (2). 1 of the submissions does not count toward it. Last evaluated 2024-08-05.

Conditions:
PRKDC-related disorder. Also called: PRKDC-related condition.
Severe combined immunodeficiency due to DNA-PKcs deficiency. Also called: IMMUNODEFICIENCY 26 WITH NEUROLOGIC ABNORMALITIES; Immunodeficiency 26 with or without neurologic abnormalities. Identifiers: Orphanet 317425, MedGen C4014833, MONDO:0014423, OMIM 615966.

Allele frequency attached by ClinVar (database versions not stated): gnomAD 0.00001; gnomAD exomes 0.00001 and 0.00003; TOPMed 0.00002.
gnomAD v4.1: 52 of 1,574,826 alleles (0.0033%); highest among the groups gnomAD compares: Non-Finnish European, 0.0041%; no homozygotes.

Submissions (3):

Labcorp Genetics (formerly Invitae), Labcorp
Classification: Uncertain significance for Severe combined immunodeficiency due to DNA-PKcs deficiency. Last evaluated: 2024-08-05. Review status: criteria provided, single submitter. Criteria: Invitae Variant Classification Sherloc (09022015). Collection method: clinical testing. Allele origin: germline.
Comment: This sequence change replaces phenylalanine, which is neutral and non-polar, with leucine, which is neutral and non-polar, at codon 704 of the PRKDC protein (p.Phe704Leu). This variant is present in population databases (no rsID available, gnomAD 0.002%). This variant has not been reported in the literature in individuals affected with PRKDC-related conditions. ClinVar contains an entry for this variant (Variation ID: 541990). Advanced modeling of protein sequence and biophysical properties (such as structural, functional, and spatial information, amino acid conservation, physicochemical variation, residue mobility, and thermodynamic stability) performed at Invitae indicates that this missense variant is not expected to disrupt PRKDC protein function with a negative predictive value of 80%. In summary, the available evidence is currently insufficient to determine the role of this variant in disease. Therefore, it has been classified as a Variant of Uncertain Significance.

Ambry Genetics
Classification: Uncertain significance. Last evaluated: 2023-09-22. Review status: criteria provided, single submitter. Criteria: Ambry Variant Classification Scheme 2023. Collection method: clinical testing. Allele origin: germline.

PreventionGenetics, part of Exact Sciences
Classification: Uncertain significance for PRKDC-related condition. Last evaluated: 2024-08-02. Review status: no assertion criteria provided. Collection method: clinical testing. Allele origin: germline. Not counted in ClinVar's aggregate classification.
Comment: The PRKDC c.2112T>A variant is predicted to result in the amino acid substitution p.Phe704Leu. To our knowledge, this variant has not been reported in the literature. This variant is reported in 0.0024% of alleles in individuals of European (Non-Finnish) descent in gnomAD. At this time, the clinical significance of this variant is uncertain due to the absence of conclusive functional and genetic evidence.